The following is an entry in ClinVar:

ClinVar aggregate classification (germline): Uncertain significance. Review status: criteria provided, multiple submitters, no conflicts (2 of 4 stars). 2 submissions from 2 submitters: Uncertain significance (2). Last evaluated 2024-05-14.

Conditions:
Inborn genetic diseases. Identifiers: MedGen C0950123, MeSH D030342.

Allele frequency attached by ClinVar (database versions not stated): gnomAD exomes 0.00001; ExAC 0.00002; TOPMed 0.00004; gnomAD 0.00007; ESP Exome Variant Server 0.00008.
gnomAD v4.1: 18 of 1,610,552 alleles (0.0011%); highest among the groups gnomAD compares: African/African-American, 0.023%; no homozygotes.

Submissions (2):

Ambry Genetics
Classification: Uncertain significance for Inborn genetic diseases. Last evaluated: 2024-05-14. Review status: criteria provided, single submitter. Criteria: Ambry Variant Classification Scheme 2023. Collection method: clinical testing. Allele origin: germline.

Labcorp Genetics (formerly Invitae), Labcorp
Classification: Uncertain significance. Last evaluated: 2022-08-21. Review status: criteria provided, single submitter. Criteria: Invitae Variant Classification Sherloc (09022015). Collection method: clinical testing. Allele origin: germline.
Comment: In summary, the available evidence is currently insufficient to determine the role of this variant in disease. Therefore, it has been classified as a Variant of Uncertain Significance. This variant has not been reported in the literature in individuals affected with ANK3-related conditions. Algorithms developed to predict the effect of missense changes on protein structure and function are either unavailable or do not agree on the potential impact of this missense change (SIFT: "Not Available"; PolyPhen-2: "Benign"; Align-GVGD: "Not Available"). This variant is present in population databases (rs369947708, gnomAD 0.02%). This sequence change replaces isoleucine, which is neutral and non-polar, with threonine, which is neutral and polar, at codon 1401 of the ANK3 protein (p.Ile1401Thr).

NM_020987.5(ANK3):c.4202T>C (p.Ile1401Thr)

Gene: ANK3 (ankyrin 3; minus strand). Cytogenetic location: 10q21.2.
Variant type: single nucleotide variant.
Coding change: c.4202T>C on transcript NM_020987.5 (MANE Select); coding-DNA position 4202, T replaced by C.
Protein change: p.Ile1401Thr; replaces isoleucine 1401 with threonine.
Molecular consequence: missense variant.
Genome position (GRCh38, 1-based): chr10:60,082,736, A>G on the plus strand (T>C on the coding strand, the complement: ANK3 is on the minus strand). VCF-style: chr10-60082736-A-G. GRCh37 (hg19) VCF-style: chr10-61842494-A-G.
Other names: c.1604T>C, p.Ile535Thr (NM_001149.4); c.4184T>C, p.Ile1395Thr (NM_001204403.2); c.4205T>C, p.Ile1402Thr (NM_001204404.2); c.4202T>C, p.Ile1401Thr (NM_001320874.2); c.4202T>C (NM_020987.3); short protein forms I1402T, I1395T, I535T, I1401T.
Identifiers: ClinVar variation 1981296 (VCV001981296.5), dbSNP rs369947708, ClinGen allele CA5512281.